The following is an entry in ClinVar:

NM_001363118.2(SLC52A2):c.825C>T (p.Arg275=)

Gene: SLC52A2 (solute carrier family 52 member 2; plus strand). Cytogenetic location: 8q24.3.
Variant type: single nucleotide variant.
Coding change: c.825C>T on transcript NM_001363118.2 (MANE Select); coding-DNA position 825, C replaced by T.
Protein change: p.Arg275=; no amino-acid change (arginine 275 retained).
Molecular consequence: synonymous variant. On other transcripts: non-coding transcript variant (1).
Genome position (GRCh38, 1-based): chr8:144,360,317, C>T. VCF-style: chr8-144360317-C-T. GRCh37 (hg19) VCF-style: chr8-145583977-C-T.
Other names: c.825C>T, p.Arg275= (NM_001363121.2, NM_024531.5, NM_001253815.2 and 2 more transcripts); c.333C>T, p.Arg111= (NM_001363122.2); c.825C>T (NM_001253816.1).
Identifiers: ClinVar variation 705056 (VCV000705056.12), dbSNP rs934259287, ClinGen allele CA187657438.

ClinVar aggregate classification (germline): Likely benign. Review status: criteria provided, multiple submitters, no conflicts (2 of 4 stars). 3 submissions from 3 submitters: Likely benign (2). 1 of the submissions does not count toward it. Last evaluated 2025-07-14.

Conditions:
Brown-Vialetto-van Laere syndrome 2. Also called: SPINOCEREBELLAR ATAXIA WITH BLINDNESS AND DEAFNESS 2; Riboflavin transporter deficiency type 2. Identifiers: Orphanet 572543, Orphanet 97229, MedGen C3553538, MONDO:0013867, OMIM 614707.
SLC52A2-related disorder. Also called: SLC52A2-related condition.

Allele frequency attached by ClinVar (database versions not stated): gnomAD exomes 0.00001; TOPMed 0.00003.
gnomAD v4.1: 20 of 1,610,234 alleles (0.0012%); highest among the groups gnomAD compares: Admixed American, 0.03%; no homozygotes.

Submissions (3):

Labcorp Genetics (formerly Invitae), Labcorp
Classification: Likely benign for Brown-Vialetto-van Laere syndrome 2. Last evaluated: 2025-07-14. Review status: criteria provided, single submitter. Criteria: Invitae Variant Classification Sherloc (09022015). Collection method: clinical testing. Allele origin: germline.

Blueprint Genetics
Classification: Likely benign. Last evaluated: 2024-04-22. Review status: criteria provided, single submitter. Criteria: ACMG Guidelines, 2015. Collection method: clinical testing. Allele origin: germline.

PreventionGenetics, part of Exact Sciences
Classification: Likely benign for SLC52A2-related condition. Last evaluated: 2019-03-29. Review status: no assertion criteria provided. Collection method: clinical testing. Allele origin: germline. Not counted in ClinVar's aggregate classification.
Comment: This variant is classified as likely benign based on ACMG/AMP sequence variant interpretation guidelines (Richards et al. 2015 PMID: 25741868, with internal and published modifications).